The following is an entry in ClinVar:

NM_004415.4(DSP):c.8246A>C (p.Glu2749Ala)

Gene: DSP (desmoplakin; plus strand). Cytogenetic location: 6p24.3.
Variant type: single nucleotide variant.
Coding change: c.8246A>C on transcript NM_004415.4 (MANE Select); coding-DNA position 8246, A replaced by C.
Protein change: p.Glu2749Ala; replaces glutamic acid 2749 with alanine.
Molecular consequence: missense variant.
Genome position (GRCh38, 1-based): chr6:7,585,508, A>C. VCF-style: chr6-7585508-A-C. GRCh37 (hg19) VCF-style: chr6-7585741-A-C.
Other names: c.6449A>C, p.Glu2150Ala (NM_001008844.3); c.6917A>C, p.Glu2306Ala (NM_001319034.2); short protein forms E2150A, E2306A, E2749A.
Identifiers: ClinVar variation 4279055 (VCV004279055.1).

ClinVar aggregate classification (germline): Uncertain significance (1 of 4 stars; one submission).

Conditions:
Arrhythmogenic cardiomyopathy with wooly hair and keratoderma. Also called: Carvajal syndrome; PALMOPLANTAR KERATODERMA WITH LEFT VENTRICULAR CARDIOMYOPATHY AND WOOLLY HAIR; Dilated cardiomyopathy with woolly hair and keratoderma; Arrhythmogenic cardiomyopathy with woolly hair and keratoderma. Identifiers: Orphanet 65282, MedGen C1854063, MONDO:0011581, OMIM 605676.
Arrhythmogenic right ventricular dysplasia 8 (ARVD8). Also called: Arrhythmogenic Right Ventricular Dysplasia/Cardiomyopathy 8; ARRHYTHMOGENIC RIGHT VENTRICULAR DYSPLASIA, FAMILIAL, 8; ARRHYTHMOGENIC RIGHT VENTRICULAR CARDIOMYOPATHY 8. Identifiers: MedGen C1843896, MONDO:0011831, OMIM 607450.

Submission:

Institute of Immunology and Genetics Kaiserslautern
Classification: Uncertain significance for Arrhythmogenic right ventricular dysplasia 8; Arrhythmogenic cardiomyopathy with wooly hair and keratoderma. Last evaluated: 2025-07-29. Review status: criteria provided, single submitter. Criteria: ACMG Guidelines, 2015. Collection method: clinical testing. Allele origin: germline. Affected: yes.
Comment: ACMG Criteria: PM1, PM2_P, PP5; Variant was found in heterozygous state.